The following is an entry in ClinVar:

ClinVar aggregate classification (germline): Uncertain significance (1 of 4 stars; one submission).

gnomAD v4.1: 18 of 1,595,024 alleles (0.0011%); highest among the groups gnomAD compares: Non-Finnish European, 0.0014%; 1 homozygote.

Submission:

GeneDx
Classification: Uncertain significance. Last evaluated: 2024-05-23. Review status: criteria provided, single submitter. Criteria: GeneDx Variant Classification Process June 2021. Collection method: clinical testing. Allele origin: germline. Affected: yes.
Comment: Not observed at significant frequency in large population cohorts (gnomAD); In silico analysis supports that this missense variant has a deleterious effect on protein structure/function; Has not been previously published as pathogenic or benign to our knowledge

NM_015656.2(KIF26A):c.3253G>A (p.Ala1085Thr)

Gene: KIF26A (kinesin family member 26A; plus strand). Cytogenetic location: 14q32.33.
Variant type: single nucleotide variant.
Coding change: c.3253G>A on transcript NM_015656.2 (MANE Select); coding-DNA position 3253, G replaced by A.
Protein change: p.Ala1085Thr; replaces alanine 1085 with threonine.
Molecular consequence: missense variant.
Genome position (GRCh38, 1-based): chr14:104,176,041, G>A. VCF-style: chr14-104176041-G-A. GRCh37 (hg19) VCF-style: chr14-104642378-G-A.
Other names: short protein forms A1085T.
Identifiers: ClinVar variation 3381620 (VCV003381620.1).